The following is an entry in ClinVar:

NM_001252024.2(TRPM1):c.4349C>T (p.Thr1450Met)

Gene: TRPM1 (transient receptor potential cation channel subfamily M member 1; minus strand). Cytogenetic location: 15q13.3.
Variant type: single nucleotide variant.
Coding change: c.4349C>T on transcript NM_001252024.2 (MANE Select); coding-DNA position 4349, C replaced by T.
Protein change: p.Thr1450Met; replaces threonine 1450 with methionine.
Molecular consequence: missense variant.
Genome position (GRCh38, 1-based): chr15:31,002,351, G>A on the plus strand (C>T on the coding strand, the complement: TRPM1 is on the minus strand). VCF-style: chr15-31002351-G-A. GRCh37 (hg19) VCF-style: chr15-31294554-G-A.
Other names: c.4400C>T, p.Thr1467Met (NM_001252020.2); c.4283C>T, p.Thr1428Met (NM_002420.6); short protein forms T1428M, T1450M, T1467M.
Identifiers: ClinVar variation 315493 (VCV000315493.17), dbSNP rs113814575, ClinGen allele CA7451658.

ClinVar aggregate classification (germline): Likely benign. Review status: criteria provided, multiple submitters, no conflicts (2 of 4 stars). 4 submissions from 4 submitters: Likely benign (4). Last evaluated 2026-01-05.

Conditions:
Congenital stationary night blindness 1C. Also called: Night blindness, congenital stationary (complete), 1C, autosomal recessive. Identifiers: Orphanet 215, MedGen C2750747, MONDO:0013183, OMIM 613216.

Allele frequency attached by ClinVar (database versions not stated): gnomAD exomes 0.00049 and 0.00063; ExAC 0.00077; TOPMed 0.00235; gnomAD 0.00239 and 0.00271; 1000 Genomes Project 0.00240; 1000 Genomes Project 30x 0.00250; ESP Exome Variant Server 0.00302.
gnomAD v4.1: 1,118 of 1,614,182 alleles (0.069%); highest among the groups gnomAD compares: African/African-American, 0.82%; 1 homozygote.

Submissions (4):

Labcorp Genetics (formerly Invitae), Labcorp
Classification: Likely benign. Last evaluated: 2026-01-05. Review status: criteria provided, single submitter. Criteria: Invitae Variant Classification Sherloc (09022015). Collection method: clinical testing. Allele origin: germline.

Blueprint Genetics
Classification: Likely benign. Last evaluated: 2024-07-26. Review status: criteria provided, single submitter. Criteria: ACMG Guidelines, 2015. Collection method: clinical testing. Allele origin: germline.

Illumina Laboratory Services, Illumina
Classification: Likely benign for Congenital stationary night blindness 1C. Last evaluated: 2018-01-13. Review status: criteria provided, single submitter. Criteria: ICSL Variant Classification Criteria 13 December 2019. Collection method: clinical testing. Allele origin: germline.
Comment: This variant was observed in the ICSL laboratory as part of a predisposition screen in an ostensibly healthy population. It had not been previously curated by ICSL or reported in the Human Gene Mutation Database (HGMD: prior to June 1st, 2018), and was therefore a candidate for classification through an automated scoring system. Utilizing variant allele frequency, disease prevalence and penetrance estimates, and inheritance mode, an automated score was calculated to assess if this variant is too frequent to cause the disease. Based on the score and internal cut-off values, a variant classified as likely benign is not then subjected to further curation. The score for this variant resulted in a classification of likely benign for this disease.

Breakthrough Genomics
Classification: Likely benign. Review status: criteria provided, single submitter. Criteria: ACMG Guidelines, 2015. Collection method: not provided. Allele origin: germline. Inheritance: Unknown mechanism. Affected: yes.